The following is an entry in ClinVar:

ClinVar aggregate classification (germline): Uncertain significance (1 of 4 stars; one submission).

Conditions:
Hypokalemic periodic paralysis, type 1. Also called: HypoPP; Hypokalemic Periodic Paralysis Type 1 (AD). Identifiers: Orphanet 681, MedGen C3714580, MONDO:0042979, OMIM 170400.
Malignant hyperthermia, susceptibility to, 5 (MHS5). Also called: CACNA1S-Related Malignant Hyperthermia Susceptibility. Identifiers: Orphanet 423, MedGen C1866077, MONDO:0011163, OMIM 601887.

Submission:

Labcorp Genetics (formerly Invitae), Labcorp
Classification: Uncertain significance for Hypokalemic periodic paralysis, type 1; Malignant hyperthermia, susceptibility to, 5. Last evaluated: 2023-04-17. Review status: criteria provided, single submitter. Criteria: Invitae Variant Classification Sherloc (09022015). Collection method: clinical testing. Allele origin: germline.
Comment: In summary, the available evidence is currently insufficient to determine the role of this variant in disease. Therefore, it has been classified as a Variant of Uncertain Significance. Advanced modeling of protein sequence and biophysical properties (such as structural, functional, and spatial information, amino acid conservation, physicochemical variation, residue mobility, and thermodynamic stability) performed at Invitae indicates that this missense variant is not expected to disrupt CACNA1S protein function. This variant has not been reported in the literature in individuals affected with CACNA1S-related conditions. This variant is not present in population databases (gnomAD no frequency). This sequence change replaces asparagine, which is neutral and polar, with tyrosine, which is neutral and polar, at codon 38 of the CACNA1S protein (p.Asn38Tyr).

NM_000069.3(CACNA1S):c.112A>T (p.Asn38Tyr)

Gene: CACNA1S (calcium voltage-gated channel subunit alpha1 S; minus strand). Cytogenetic location: 1q32.1.
Variant type: single nucleotide variant.
Coding change: c.112A>T on transcript NM_000069.3 (MANE Select); coding-DNA position 112, A replaced by T.
Protein change: p.Asn38Tyr; replaces asparagine 38 with tyrosine.
Molecular consequence: missense variant.
Genome position (GRCh38, 1-based): chr1:201,112,228, T>A on the plus strand (A>T on the coding strand, the complement: CACNA1S is on the minus strand). VCF-style: chr1-201112228-T-A. GRCh37 (hg19) VCF-style: chr1-201081356-T-A.
Other names: short protein forms N38Y.
Identifiers: ClinVar variation 2946837 (VCV002946837.3), dbSNP rs2464701476, ClinGen allele CA344157893.
Genomic context (GRCh38, chr1:201,112,228, plus strand): 5'-GCCCGGGCCCTGAAGGATACTTCCATTCTACAATGCTGATGCAGGCCTTCCTCAGGGGGT[T>A]CTCCAGGGTCAGGCAGAACAAGGCCCGGGGTGGCCTTGGCAGAATCTCAGGAACTGGCTT-3'
Protein context (NP_000060.2, residues 28-48): PRALFCLTLE[Asn38Tyr]PLRKACISIV